The following is an entry in ClinVar:

NM_000038.6(APC):c.5608G>A (p.Asp1870Asn)

Gene: APC (APC regulator of Wnt signaling pathway; plus strand). Cytogenetic location: 5q22.2.
Variant type: single nucleotide variant.
Coding change: c.5608G>A on transcript NM_000038.6 (MANE Select); coding-DNA position 5608, G replaced by A.
Protein change: p.Asp1870Asn; replaces aspartic acid 1870 with asparagine.
Molecular consequence: missense variant.
Genome position (GRCh38, 1-based): chr5:112,841,202, G>A. VCF-style: chr5-112841202-G-A. GRCh37 (hg19) VCF-style: chr5-112176899-G-A.
Other names: c.5554G>A, p.Asp1852Asn (NM_001127511.3); c.5608G>A, p.Asp1870Asn (NM_001354895.2, NM_001127510.3); c.5662G>A, p.Asp1888Asn (NM_001354896.2); c.5638G>A, p.Asp1880Asn (NM_001354897.2); c.5533G>A, p.Asp1845Asn (NM_001354898.2); c.5524G>A, p.Asp1842Asn (NM_001354899.2); c.5485G>A, p.Asp1829Asn (NM_001354900.2); c.5431G>A, p.Asp1811Asn (NM_001354901.2); and 5 more; short protein forms D1852N, D1870N, D1829N, D1845N, D1710N, D1842N, D1587N, D1769N.
Identifiers: ClinVar variation 187611 (VCV000187611.18), dbSNP rs769579396, ClinGen allele CA010538.

ClinVar aggregate classification (germline): Conflicting classifications of pathogenicity. Review status: criteria provided, conflicting classifications (1 of 4 stars). 5 submissions from 5 submitters: Uncertain significance (4); Likely benign (1). Last evaluated 2025-08-30.

Conditions:
Classic or attenuated familial adenomatous polyposis. Identifiers: MedGen CN372698, MONDO:0021057.
Hereditary cancer-predisposing syndrome. Also called: Neoplastic Syndromes, Hereditary; Tumor predisposition; Hereditary Cancer Syndrome; Hereditary neoplastic syndrome. Identifiers: Orphanet 140162, MedGen C0027672, MeSH D009386, MONDO:0015356.
Familial adenomatous polyposis 1 (FAP1). Also called: FAMILIAL ADENOMATOUS POLYPOSIS 1, ATTENUATED; POLYPOSIS, ADENOMATOUS INTESTINAL. Identifiers: MedGen C2713442, MONDO:0021056, OMIM 175100. Disease mechanism: loss of function.

Allele frequency attached by ClinVar (database versions not stated): ExAC 0.00001; gnomAD 0.00001; gnomAD exomes 0.00001; TOPMed 0.00001.
gnomAD v4.1: 17 of 1,613,856 alleles (0.0011%); highest among the groups gnomAD compares: Non-Finnish European, 0.0014%; no homozygotes.

Submissions (5):

Labcorp Genetics (formerly Invitae), Labcorp
Classification: Uncertain significance for Familial adenomatous polyposis 1. Last evaluated: 2025-08-30. Review status: criteria provided, single submitter. Criteria: Invitae Variant Classification Sherloc (09022015). Collection method: clinical testing. Allele origin: germline.
Comment: This sequence change replaces aspartic acid, which is acidic and polar, with asparagine, which is neutral and polar, at codon 1870 of the APC protein (p.Asp1870Asn). This variant is present in population databases (rs769579396, gnomAD 0.002%). This variant has not been reported in the literature in individuals affected with APC-related conditions. ClinVar contains an entry for this variant (Variation ID: 187611). Invitae Evidence Modeling of protein sequence and biophysical properties (such as structural, functional, and spatial information, amino acid conservation, physicochemical variation, residue mobility, and thermodynamic stability) indicates that this missense variant is not expected to disrupt APC protein function with a negative predictive value of 95%. In summary, the available evidence is currently insufficient to determine the role of this variant in disease. Therefore, it has been classified as a Variant of Uncertain Significance.

Molecular Diagnostics Laboratory, Catalan Institute of Oncology
Classification: Uncertain significance for Hereditary cancer-predisposing syndrome. Last evaluated: 2025-04-16. Review status: criteria provided, single submitter. Criteria: ClinGen ACMG Specifications APC V1.0.0. Collection method: clinical testing. Allele origin: germline.
Comment: BP1 c.5608G>A, located in exon 16 of the APC gene, is predicted to result in the substitution of Aspartic acid by Asparagine at codon 1870, p.(Asp1870Asn) (BP1). This variant is found in 2/267787 alleles at a frequency of 0.0007% in the gnomAD v2.1.1 database, non-cancer dataset. The SpliceAI algorithm predicts no significant impact on splicing. To our knowledge, neither relevant clinical data nor well-stablished functional studies have been reported for this variant. It has been reported in ClinVar (2x VUS, 1x LB). Based on the currently available information, c.5608G>A is classified as an uncertain significance variant according to ClinGen-APC Guidelines version 1.

Ambry Genetics
Classification: Likely benign for Hereditary cancer-predisposing syndrome. Last evaluated: 2024-06-18. Review status: criteria provided, single submitter. Criteria: Ambry Variant Classification Scheme 2023. Collection method: clinical testing. Allele origin: germline.

Color Diagnostics, LLC DBA Color Health
Classification: Uncertain significance for Hereditary cancer-predisposing syndrome. Last evaluated: 2024-03-06. Review status: criteria provided, single submitter. Criteria: ACMG Guidelines, 2015. Collection method: clinical testing. Allele origin: germline.
Comment: This missense variant replaces aspartic acid with asparagine at codon 1870 of the APC protein. Computational prediction suggests that this variant may not impact protein structure and function. To our knowledge, functional studies have not been reported for this variant. This variant has not been reported in individuals affected with APC-related disorders in the literature. This variant has been identified in 2/250928 chromosomes in the general population by the Genome Aggregation Database (gnomAD). The available evidence is insufficient to determine the role of this variant in disease conclusively. Therefore, this variant is classified as a Variant of Uncertain Significance.

All of Us Research Program, National Institutes of Health
Classification: Uncertain significance for Classic or attenuated familial adenomatous polyposis. Last evaluated: 2023-03-07. Review status: criteria provided, single submitter. Criteria: ACMG Guidelines, 2015. Collection method: clinical testing. Allele origin: germline. Inheritance: Autosomal dominant inheritance. Observed: 1 variant allele, 1 heterozygote.
Comment: This missense variant replaces aspartic acid with asparagine at codon 1870 of the APC protein. Computational prediction suggests that this variant may not impact protein structure and function (internally defined REVEL score threshold <= 0.5, PMID: 27666373). To our knowledge, functional studies have not been reported for this variant. This variant has not been reported in individuals affected with APC-related disorders in the literature. This variant has been identified in 2/250928 chromosomes in the general population by the Genome Aggregation Database (gnomAD). The available evidence is insufficient to determine the role of this variant in disease conclusively. Therefore, this variant is classified as a Variant of Uncertain Significance.

This study involves interpretation of variants in research participants for the purpose of population health screening. Participant phenotype was not available at the time of variant classification. Additional details can be found in publication PMID: 35346344, PMCID: PMC8962531